The following is an entry in ClinVar:

NM_000302.4(PLOD1):c.775C>T (p.Arg259Cys)

Gene: PLOD1 (procollagen-lysine,2-oxoglutarate 5-dioxygenase 1; plus strand). Cytogenetic location: 1p36.22.
Variant type: single nucleotide variant.
Coding change: c.775C>T on transcript NM_000302.4 (MANE Select); coding-DNA position 775, C replaced by T.
Protein change: p.Arg259Cys; replaces arginine 259 with cysteine.
Molecular consequence: missense variant.
Genome position (GRCh38, 1-based): chr1:11,957,875, C>T. VCF-style: chr1-11957875-C-T. GRCh37 (hg19) VCF-style: chr1-12017932-C-T.
Other names: c.916C>T, p.Arg306Cys (NM_001316320.2); short protein forms R259C, R306C.
Identifiers: ClinVar variation 626255 (VCV000626255.7), dbSNP rs1181531160, ClinGen allele CA338432663.

ClinVar aggregate classification (germline): Uncertain significance. Review status: criteria provided, multiple submitters, no conflicts (2 of 4 stars). 3 submissions from 3 submitters: Uncertain significance (3). Last evaluated 2024-11-18.

Conditions:
Ehlers-Danlos syndrome (EDS). Identifiers: Orphanet 98249, MedGen C0013720, MONDO:0020066.
Familial thoracic aortic aneurysm and aortic dissection (TAAD). Also called: Thoracic aortic aneurysms and dissections. Identifiers: Orphanet 91387, MedGen C4707243, MONDO:0019625.
Ehlers-Danlos syndrome, kyphoscoliotic type 1 (EDSKSCL1). Also called: PLOD1-Related Kyphoscoliotic Ehlers-Danlos Syndrome; EHLERS-DANLOS SYNDROME, TYPE VIA; Ehlers-Danlos syndrome, hydroxylysine-deficient; EHLERS-DANLOS SYNDROME, OCULAR-SCOLIOTIC TYPE. Identifiers: Orphanet 1900, MedGen C0268342, MONDO:0016002, OMIM 225400. Disease mechanism: loss of function.

Allele frequency attached by ClinVar (database versions not stated): TOPMed below 0.00001; gnomAD exomes 0.00001.
gnomAD v4.1: 15 of 1,614,098 alleles (0.00093%); highest among the groups gnomAD compares: Admixed American, 0.005%; no homozygotes.

Submissions (3):

Ambry Genetics
Classification: Uncertain significance for Familial thoracic aortic aneurysm and aortic dissection. Last evaluated: 2024-11-18. Review status: criteria provided, single submitter. Criteria: Ambry Variant Classification Scheme 2023. Collection method: clinical testing. Allele origin: germline.
Comment: The p.R259C variant (also known as c.775C>T), located in coding exon 8 of the PLOD1 gene, results from a C to T substitution at nucleotide position 775. The arginine at codon 259 is replaced by cysteine, an amino acid with highly dissimilar properties. This amino acid position is conserved. In addition, this alteration is predicted to be tolerated by in silico analysis. Based on the available evidence, the clinical significance of this variant remains unclear.

Labcorp Genetics (formerly Invitae), Labcorp
Classification: Uncertain significance for Ehlers-Danlos syndrome, kyphoscoliotic type 1. Last evaluated: 2022-02-04. Review status: criteria provided, single submitter. Criteria: Invitae Variant Classification Sherloc (09022015). Collection method: clinical testing. Allele origin: germline.
Comment: This sequence change replaces arginine, which is basic and polar, with cysteine, which is neutral and slightly polar, at codon 259 of the PLOD1 protein (p.Arg259Cys). This variant is not present in population databases (gnomAD no frequency). This variant has not been reported in the literature in individuals affected with PLOD1-related conditions. ClinVar contains an entry for this variant (Variation ID: 626255). Algorithms developed to predict the effect of missense changes on protein structure and function (SIFT, PolyPhen-2, Align-GVGD) all suggest that this variant is likely to be disruptive. In summary, the available evidence is currently insufficient to determine the role of this variant in disease. Therefore, it has been classified as a Variant of Uncertain Significance.

Clinical Molecular Genetics Laboratory, Johns Hopkins All Children's Hospital
Classification: Uncertain significance for Ehlers-Danlos syndrome. Last evaluated: 2019-03-28. Review status: criteria provided, single submitter. Criteria: ACMG Guidelines, 2015. Collection method: clinical testing. Allele origin: germline. Inheritance: Autosomal recessive inheritance. Affected: yes. Observed: 1 heterozygote.